The following is an entry in ClinVar:

ClinVar aggregate classification (germline): Uncertain significance (1 of 4 stars; one submission).

Conditions:
POLR3A-related disorder. Also called: POLR3A-related disorders; POLR3A-related condition. Identifiers: MedGen CN378587, MONDO:0700276.

Submission:

PreventionGenetics, part of Exact Sciences
Classification: Uncertain significance for POLR3A-related condition. Last evaluated: 2026-08-31. Review status: criteria provided, single submitter. Criteria: ACMG Guidelines, 2015. Collection method: clinical testing. Allele origin: germline.
Comment: The POLR3A c.1822A>G variant is predicted to result in the amino acid substitution p.Ser608Gly. To our knowledge, this variant has not been reported in the literature or in a large population database (gnomAD), indicating this variant is rare. At this time, the clinical significance of this variant is uncertain due to the absence of conclusive functional and genetic evidence.

NM_007055.4(POLR3A):c.1822A>G (p.Ser608Gly)

Gene: POLR3A (RNA polymerase III subunit A; minus strand). Cytogenetic location: 10q22.3.
Variant type: single nucleotide variant.
Coding change: c.1822A>G on transcript NM_007055.4 (MANE Select); coding-DNA position 1822, A replaced by G.
Protein change: p.Ser608Gly; replaces serine 608 with glycine.
Molecular consequence: missense variant.
Genome position (GRCh38, 1-based): chr10:78,009,624, T>C on the plus strand (A>G on the coding strand, the complement: POLR3A is on the minus strand). VCF-style: chr10-78009624-T-C. GRCh37 (hg19) VCF-style: chr10-79769382-T-C.
Other names: short protein forms S608G.
Identifiers: ClinVar variation 5001933 (VCV005001933.1).